The following is an entry in ClinVar:

ClinVar aggregate classification (germline): Uncertain significance. Review status: criteria provided, multiple submitters, no conflicts (2 of 4 stars). 2 submissions from 2 submitters: Uncertain significance (2). Last evaluated 2025-09-08.

Conditions:
Inborn genetic diseases. Identifiers: MedGen C0950123, MeSH D030342.
KBG syndrome (KBGS). Also called: ANKRD11-Related KBG Syndrome. Identifiers: Orphanet 2332, MedGen C0220687, MONDO:0007846, OMIM 148050.

Allele frequency attached by ClinVar (database versions not stated): TOPMed below 0.00001.

Submissions (2):

Labcorp Genetics (formerly Invitae), Labcorp
Classification: Uncertain significance for KBG syndrome. Last evaluated: 2025-09-08. Review status: criteria provided, single submitter. Criteria: Invitae Variant Classification Sherloc (09022015). Collection method: clinical testing. Allele origin: germline.
Comment: This sequence change replaces alanine, which is neutral and non-polar, with proline, which is neutral and non-polar, at codon 1870 of the ANKRD11 protein (p.Ala1870Pro). This variant is not present in population databases (gnomAD no frequency). This variant has not been reported in the literature in individuals affected with ANKRD11-related conditions. ClinVar contains an entry for this variant (Variation ID: 2959510). Invitae Evidence Modeling of protein sequence and biophysical properties (such as structural, functional, and spatial information, amino acid conservation, physicochemical variation, residue mobility, and thermodynamic stability) indicates that this missense variant is not expected to disrupt ANKRD11 protein function with a negative predictive value of 95%. In summary, the available evidence is currently insufficient to determine the role of this variant in disease. Therefore, it has been classified as a Variant of Uncertain Significance.

Ambry Genetics
Classification: Uncertain significance for Inborn genetic diseases. Last evaluated: 2025-03-31. Review status: criteria provided, single submitter. Criteria: Ambry Variant Classification Scheme 2023. Collection method: clinical testing. Allele origin: germline.

NM_013275.6(ANKRD11):c.5608G>C (p.Ala1870Pro)

Gene: ANKRD11 (ankyrin repeat domain 11; minus strand). Cytogenetic location: 16q24.3.
Variant type: single nucleotide variant.
Coding change: c.5608G>C on transcript NM_013275.6 (MANE Select); coding-DNA position 5608, G replaced by C.
Protein change: p.Ala1870Pro; replaces alanine 1870 with proline.
Molecular consequence: missense variant.
Genome position (GRCh38, 1-based): chr16:89,280,934, C>G on the plus strand (G>C on the coding strand, the complement: ANKRD11 is on the minus strand). VCF-style: chr16-89280934-C-G. GRCh37 (hg19) VCF-style: chr16-89347342-C-G.
Other names: c.5608G>C, p.Ala1870Pro (NM_001256182.2, NM_001256183.2); c.5608G>C (NM_013275.4); short protein forms A1870P.
Identifiers: ClinVar variation 2959510 (VCV002959510.4), dbSNP rs1412004812, ClinGen allele CA397153498.
Genomic context (GRCh38, chr16:89,280,934, plus strand): 5'-GTTTTGCTTGTAAACTTGAGAAGACGCCCTCTGGAGACGGGGTGACAGTGACAACGGCAG[C>G]CGGTGGGCAGTGCAAAGCGTCGACTTTGGGCGACGGGAGGCCATAGTCTGGGGAGTAGTA-3'
Protein context (NP_037407.4, residues 1860-1880): PKVDALHCPP[Ala1870Pro]AVVTVTPSPE